The following is an entry in ClinVar:

NM_016492.5(RANGRF):c.95C>T (p.Pro32Leu)

Genes: RANGRF (RAN guanine nucleotide release factor; plus strand), SLC25A35 (solute carrier family 25 member 35; minus strand), LOC130060241 (ATAC-STARR-seq lymphoblastoid active region 11693; plus strand). Cytogenetic location: 17p13.1.
Variant type: single nucleotide variant.
Coding change: c.95C>T on transcript NM_016492.5 (MANE Select); coding-DNA position 95, C replaced by T.
Protein change: p.Pro32Leu; replaces proline 32 with leucine.
Molecular consequence: missense variant. On other transcripts: 3 prime UTR variant (2), non-coding transcript variant (2), intron variant (1).
Genome position (GRCh38, 1-based): chr17:8,288,973, C>T. VCF-style: chr17-8288973-C-T. GRCh37 (hg19) VCF-style: chr17-8192291-C-T.
Other names: c.95C>T, p.Pro32Leu (NM_001177801.2, NM_001177802.2, NM_001330127.2); c.*510G>A (NM_001320872.2); c.*643G>A (NM_201520.3); c.*43-541G>A (NM_001320871.2); short protein forms P32L.
Identifiers: ClinVar variation 956645 (VCV000956645.11), dbSNP rs200041073, ClinGen allele CA8374317.

ClinVar aggregate classification (germline): Uncertain significance (1 of 4 stars; one submission).

Conditions:
Cardiac arrhythmia. Also called: Cardiac rhythm disease; Arrhythmia. Identifiers: MedGen C0003811, MONDO:0007263, HP:0011675.

Allele frequency attached by ClinVar (database versions not stated): gnomAD exomes 0.00006 and 0.00007; ExAC 0.00007; 1000 Genomes Project 30x 0.00016; 1000 Genomes Project 0.00020; TOPMed 0.00003; gnomAD 0.00001 and 0.00002; ESP Exome Variant Server 0.00008.
gnomAD v4.1: 97 of 1,614,142 alleles (0.006%); highest among the groups gnomAD compares: Admixed American, 0.01%; no homozygotes.

Submission:

Labcorp Genetics (formerly Invitae), Labcorp
Classification: Uncertain significance for Cardiac arrhythmia. Last evaluated: 2025-06-18. Review status: criteria provided, single submitter. Criteria: Invitae Variant Classification Sherloc (09022015). Collection method: clinical testing. Allele origin: germline.
Comment: This sequence change replaces proline, which is neutral and non-polar, with leucine, which is neutral and non-polar, at codon 32 of the RANGRF protein (p.Pro32Leu). This variant is present in population databases (rs200041073, gnomAD 0.02%). This variant has not been reported in the literature in individuals affected with RANGRF-related conditions. ClinVar contains an entry for this variant (Variation ID: 956645). An algorithm developed to predict the effect of missense changes on protein structure and function (PolyPhen-2) suggests that this variant is likely to be disruptive. In summary, the available evidence is currently insufficient to determine the role of this variant in disease. Therefore, it has been classified as a Variant of Uncertain Significance.